The following is an entry in ClinVar:

ClinVar aggregate classification (germline): Uncertain significance (1 of 4 stars; one submission).

gnomAD v4.1: 15 of 1,613,962 alleles (0.00093%); highest among the groups gnomAD compares: Non-Finnish European, 0.0012%; no homozygotes.

Submission:

Labcorp Genetics (formerly Invitae), Labcorp
Classification: Uncertain significance. Last evaluated: 2025-12-11. Review status: criteria provided, single submitter. Criteria: Invitae Variant Classification Sherloc (09022015). Collection method: clinical testing. Allele origin: germline.
Comment: This sequence change replaces arginine, which is basic and polar, with histidine, which is basic and polar, at codon 3087 of the FAT1 protein (p.Arg3087His). This variant is present in population databases (rs764938680, gnomAD 0.004%). This variant has not been reported in the literature in individuals affected with FAT1-related conditions. An algorithm developed to predict the effect of missense changes on protein structure and function (PolyPhen-2) suggests that this variant is likely to be disruptive. In summary, the available evidence is currently insufficient to determine the role of this variant in disease. Therefore, it has been classified as a Variant of Uncertain Significance.

NM_005245.4(FAT1):c.9260G>A (p.Arg3087His)

Gene: FAT1 (FAT atypical cadherin 1; minus strand). Cytogenetic location: 4q35.2.
Variant type: single nucleotide variant.
Coding change: c.9260G>A on transcript NM_005245.4 (MANE Select); coding-DNA position 9260, G replaced by A.
Protein change: p.Arg3087His; replaces arginine 3087 with histidine.
Molecular consequence: missense variant.
Genome position (GRCh38, 1-based): chr4:186,613,312, C>T on the plus strand (G>A on the coding strand, the complement: FAT1 is on the minus strand). VCF-style: chr4-186613312-C-T. GRCh37 (hg19) VCF-style: chr4-187534466-C-T.
Other names: c.9260G>A, p.Arg3087His (NM_001440456.1, NM_001440457.1, NM_001440455.1); short protein forms R3087H.
Identifiers: ClinVar variation 4767142 (VCV004767142.1).
Genomic context (GRCh38, chr4:186,613,312, plus strand): 5'-CAGAATCTTCCTCCTCCATCTGTGGCCCTGACGAGAAGATGATAAACAGCTTGCTCCTCA[C>T]GATCAAGGGGGGTTGACGTTTTCAGTTCACCTACAAACAAAAACAAATGGACTCACTTGT-3'
Protein context (NP_005236.2, residues 3077-3097): GELKTSTPLD[Arg3087His]EEQAVYHLLV